The following is an entry in ClinVar:

NM_001330723.2(SNX27):c.1240-3T>A

Gene: SNX27 (sorting nexin 27; plus strand). Cytogenetic location: 1q21.3.
Variant type: single nucleotide variant.
Coding change: c.1240-3T>A on transcript NM_001330723.2 (MANE Select); 3 bases into the intron before coding-DNA position 1240, T replaced by A.
Molecular consequence: intron variant.
Genome position (GRCh38, 1-based): chr1:151,692,432, T>A. VCF-style: chr1-151692432-T-A. GRCh37 (hg19) VCF-style: chr1-151664908-T-A.
Other names: c.1240-3T>A (NM_030918.6).
Identifiers: ClinVar variation 854955 (VCV000854955.7), dbSNP rs1558078080, ClinGen allele CA526310625.

ClinVar aggregate classification (germline): Uncertain significance (1 of 4 stars; one submission).

Conditions:
Severe myoclonic epilepsy in infancy (DRVT). Also called: Dravet syndrome; SEVERE MYOCLONIC EPILEPSY OF INFANCY; DEVELOPMENTAL AND EPILEPTIC ENCEPHALOPATHY 6A; Severe Myoclonic Epilepsy in Infancy (SMEI); Epileptic encephalopathy, early infantile, 6 (Dravet syndrome). Identifiers: Orphanet 33069, MedGen C0751122, MONDO:0100135, OMIM 607208.

Allele frequency attached by ClinVar (database versions not stated): gnomAD exomes 0.00003.
gnomAD v4.1: 50 of 1,452,070 alleles (0.0034%); highest among the groups gnomAD compares: African/African-American, 0.01%; no homozygotes.

Submission:

Labcorp Genetics (formerly Invitae), Labcorp
Classification: Uncertain significance for Severe myoclonic epilepsy in infancy. Last evaluated: 2022-09-05. Review status: criteria provided, single submitter. Criteria: Invitae Variant Classification Sherloc (09022015). Collection method: clinical testing. Allele origin: germline.
Comment: This sequence change falls in intron 8 of the SNX27 gene. It does not directly change the encoded amino acid sequence of the SNX27 protein. It affects a nucleotide within the consensus splice site. This variant is present in population databases (no rsID available, gnomAD 0.008%). This variant has not been reported in the literature in individuals affected with SNX27-related conditions. ClinVar contains an entry for this variant (Variation ID: 854955). Variants that disrupt the consensus splice site are a relatively common cause of aberrant splicing (PMID: 17576681, 9536098). Algorithms developed to predict the effect of sequence changes on RNA splicing suggest that this variant is not likely to affect RNA splicing. In summary, the available evidence is currently insufficient to determine the role of this variant in disease. Therefore, it has been classified as a Variant of Uncertain Significance.

Literature cited by the submitters: PubMed 17576681; PubMed 9536098.